The following is an entry in ClinVar:

ClinVar aggregate classification (germline): Uncertain significance. Review status: criteria provided, multiple submitters, no conflicts (2 of 4 stars). 3 submissions from 3 submitters: Uncertain significance (3). Last evaluated 2026-02-01.

Conditions:
Joubert syndrome. Also called: JOUBERT-BOLTSHAUSER SYNDROME; Familial aplasia of the vermis. Identifiers: Orphanet 475, MedGen C5979921, MONDO:0018772.
Meckel-Gruber syndrome. Also called: DYSENCEPHALIA SPLANCHNOCYSTICA; GRUBER SYNDROME; Dysencephalia splachnocystica. Identifiers: Orphanet 564, MedGen C0265215, MONDO:0018921.
CC2D2A-related disorder. Also called: CC2D2A-related disorders; CC2D2A-related condition. Identifiers: MedGen CN239313.

gnomAD v4.1: 3 of 1,581,322 alleles (0.00019%); highest among the groups gnomAD compares: Admixed American, 0.0054%; no homozygotes.

Submissions (3):

CeGaT Center for Human Genetics Tuebingen
Classification: Uncertain significance. Last evaluated: 2026-02-01. Review status: criteria provided, single submitter. Criteria: CeGaT Center For Human Genetics Tuebingen Variant Classification Criteria Version 2. Collection method: clinical testing. Allele origin: germline. Affected: yes. Observed: 1 variant allele.
Comment: CC2D2A: PM2

PreventionGenetics, part of Exact Sciences
Classification: Uncertain significance for CC2D2A-related condition. Last evaluated: 2025-05-28. Review status: criteria provided, single submitter. Criteria: ACMG Guidelines, 2015. Collection method: clinical testing. Allele origin: germline.
Comment: The CC2D2A c.3425C>G variant is predicted to result in the amino acid substitution p.Ala1142Gly. To our knowledge, this variant has not been reported in the literature or in a large population database (gnomAD), indicating this variant is rare. At this time, the clinical significance of this variant is uncertain due to the absence of conclusive functional and genetic evidence.

Labcorp Genetics (formerly Invitae), Labcorp
Classification: Uncertain significance for Joubert syndrome; Meckel-Gruber syndrome. Last evaluated: 2024-05-27. Review status: criteria provided, single submitter. Criteria: Invitae Variant Classification Sherloc (09022015). Collection method: clinical testing. Allele origin: germline.
Comment: This sequence change replaces alanine, which is neutral and non-polar, with glycine, which is neutral and non-polar, at codon 1142 of the CC2D2A protein (p.Ala1142Gly). This variant is not present in population databases (gnomAD no frequency). This variant has not been reported in the literature in individuals affected with CC2D2A-related conditions. ClinVar contains an entry for this variant (Variation ID: 1428065). Advanced modeling of protein sequence and biophysical properties (such as structural, functional, and spatial information, amino acid conservation, physicochemical variation, residue mobility, and thermodynamic stability) performed at Invitae indicates that this missense variant is not expected to disrupt CC2D2A protein function with a negative predictive value of 95%. In summary, the available evidence is currently insufficient to determine the role of this variant in disease. Therefore, it has been classified as a Variant of Uncertain Significance.

NM_001378615.1(CC2D2A):c.3425C>G (p.Ala1142Gly)

Genes: CC2D2A (coiled-coil and C2 domain containing 2A; plus strand), FBXL5 (F-box and leucine rich repeat protein 5; minus strand). Cytogenetic location: 4p15.32.
Variant type: single nucleotide variant.
Coding change: c.3425C>G on transcript NM_001378615.1 (MANE Select); coding-DNA position 3425, C replaced by G.
Protein change: p.Ala1142Gly; replaces alanine 1142 with glycine.
Molecular consequence: missense variant.
Genome position (GRCh38, 1-based): chr4:15,569,319, C>G. VCF-style: chr4-15569319-C-G. GRCh37 (hg19) VCF-style: chr4-15570942-C-G.
Other names: c.3425C>G, p.Ala1142Gly (NM_001080522.2); c.3278C>G, p.Ala1093Gly (NM_001378617.1); short protein forms A1142G, A1093G.
Identifiers: ClinVar variation 1428065 (VCV001428065.12), dbSNP rs1252635827, ClinGen allele CA356419937.
Genomic context (GRCh38, chr4:15,569,319, plus strand): 5'-TTTTCACAGTCCCTGGTCATGTGCTGTCTTGCAGGGCTCCTAATGGAGATTATAGCACAG[C>G]CAGTCTGCAGTCAGTGAAAGATGTTGTGTTCATTAACATTTTTGATGAAGTACTGCATGA-3'
Protein context (NP_001365544.1, residues 1132-1152): FRAPNGDYST[Ala1142Gly]SLQSVKDVVF